The following is an entry in ClinVar:

ClinVar aggregate classification (germline): Uncertain significance (1 of 4 stars; one submission).

Conditions:
Long QT syndrome (LQTS). Identifiers: MedGen C0023976, MeSH D008133, MONDO:0002442. Disease mechanism: loss of function. Inheritance: Various modes of inheritance.

Submission:

Labcorp Genetics (formerly Invitae), Labcorp
Classification: Uncertain significance for Long QT syndrome. Last evaluated: 2025-10-02. Review status: criteria provided, single submitter. Criteria: Invitae Variant Classification Sherloc (09022015). Collection method: clinical testing. Allele origin: germline.
Comment: This sequence change replaces arginine, which is basic and polar, with leucine, which is neutral and non-polar, at codon 2028 of the ANK2 protein (p.Arg2028Leu). This variant is not present in population databases (gnomAD no frequency). This variant has not been reported in the literature in individuals affected with ANK2-related conditions. ClinVar contains an entry for this variant (Variation ID: 2760495). Invitae Evidence Modeling of protein sequence and biophysical properties (such as structural, functional, and spatial information, amino acid conservation, physicochemical variation, residue mobility, and thermodynamic stability) indicates that this missense variant is not expected to disrupt ANK2 protein function with a negative predictive value of 80%. In summary, the available evidence is currently insufficient to determine the role of this variant in disease. Therefore, it has been classified as a Variant of Uncertain Significance.

NM_001148.6(ANK2):c.6083G>T (p.Arg2028Leu)

Genes: ANK2 (ankyrin 2; plus strand), LOC126807136 (MED14-independent group 3 enhancer GRCh37_chr4:114274931-114276130; plus strand). Cytogenetic location: 4q26.
Variant type: single nucleotide variant.
Coding change: c.6083G>T on transcript NM_001148.6 (MANE Select); coding-DNA position 6083, G replaced by T.
Protein change: p.Arg2028Leu; replaces arginine 2028 with leucine.
Molecular consequence: missense variant. On other transcripts: intron variant (68).
Genome position (GRCh38, 1-based): chr4:113,354,701, G>T. VCF-style: chr4-113354701-G-T. GRCh37 (hg19) VCF-style: chr4-114275857-G-T.
Other names: c.5849G>T, p.Arg1950Leu (NM_001386142.1); c.2483G>T, p.Arg828Leu (NM_001386166.1); c.6224G>T, p.Arg2075Leu (NM_001386174.1); c.6200G>T, p.Arg2067Leu (NM_001386175.1); c.4411+4452G>T (NM_001386186.2, NM_001386148.2); c.4213+4452G>T (NM_001354269.3); c.4291+4452G>T (NM_001386187.2); c.4252+4452G>T (NM_001386147.1); and 35 more; short protein forms R828L, R2067L, R2075L, R1950L, R2028L.
Identifiers: ClinVar variation 2760495 (VCV002760495.3), dbSNP rs768206554, ClinGen allele CA357922323.